The following is an entry in ClinVar:

ClinVar aggregate classification (germline): Uncertain significance (1 of 4 stars; one submission).

Conditions:
Congenital myasthenic syndrome 13 (CMS13). Also called: Myasthenic syndrome, congenital, with tubular aggregates 2; Myasthenic syndrome, congenital, 13, with tubular aggregates. Identifiers: Orphanet 353327, Orphanet 590, MedGen C3553645, MONDO:0013883, OMIM 614750.
DPAGT1-congenital disorder of glycosylation. Also called: DPAGT1-CDG; CDG Ij; CONGENITAL DISORDER OF GLYCOSYLATION, TYPE Ij. Identifiers: Orphanet 86309, MedGen C2931004, MONDO:0011964, OMIM 608093.

Submission:

Labcorp Genetics (formerly Invitae), Labcorp
Classification: Uncertain significance for Congenital myasthenic syndrome 13; DPAGT1-congenital disorder of glycosylation. Last evaluated: 2021-02-12. Review status: criteria provided, single submitter. Criteria: Invitae Variant Classification Sherloc (09022015). Collection method: clinical testing. Allele origin: germline.
Comment: This sequence change replaces proline with leucine at codon 135 of the DPAGT1 protein (p.Pro135Leu). The proline residue is highly conserved and there is a moderate physicochemical difference between proline and leucine. This variant is not present in population databases (ExAC no frequency). This variant has not been reported in the literature in individuals with DPAGT1-related conditions. Algorithms developed to predict the effect of missense changes on protein structure and function are either unavailable or do not agree on the potential impact of this missense change (SIFT: "Deleterious"; PolyPhen-2: "Probably Damaging"; Align-GVGD: "Class C15"). In summary, the available evidence is currently insufficient to determine the role of this variant in disease. Therefore, it has been classified as a Variant of Uncertain Significance.

NM_001382.4(DPAGT1):c.404C>T (p.Pro135Leu)

Gene: DPAGT1 (dolichyl-phosphate N-acetylglucosaminephosphotransferase 1; minus strand). Cytogenetic location: 11q23.3.
Variant type: single nucleotide variant.
Coding change: c.404C>T on transcript NM_001382.4 (MANE Select); coding-DNA position 404, C replaced by T.
Protein change: p.Pro135Leu; replaces proline 135 with leucine.
Molecular consequence: missense variant.
Genome position (GRCh38, 1-based): chr11:119,100,722, G>A on the plus strand (C>T on the coding strand, the complement: DPAGT1 is on the minus strand). VCF-style: chr11-119100722-G-A. GRCh37 (hg19) VCF-style: chr11-118971432-G-A.
Other names: short protein forms P135L.
Identifiers: ClinVar variation 1509343 (VCV001509343.8), dbSNP rs2134913441, ClinGen allele CA382915098.